The following is an entry in ClinVar:

ClinVar aggregate classification (germline): Likely pathogenic (1 of 4 stars; one submission).

Conditions:
Usher syndrome type 2A. Also called: RETINAL DISEASE IN USHER SYNDROME TYPE IIA, MODIFIER OF; USHER SYNDROME, TYPE IIA. Identifiers: Orphanet 231178, Orphanet 886, MedGen C1848634, MONDO:0010169, OMIM 276901.

Submission:

Natera, Inc.
Classification: Likely pathogenic for Usher syndrome type 2A. Last evaluated: 2025-06-10. Review status: criteria provided, single submitter. Criteria: Natera Variant Classification Schema (03/2026). Collection method: clinical testing. Allele origin: germline.
Comment: The c.12173dup variant in USH2A is a frameshift variant predicted to shift the reading frame beginning at codon 4059 and leads to a stop codon 40 codons downstream. This variant is expected to result in nonsense mediated decay, truncation, or a dysfunctional protein product. This variant is rare in the general population with a frequency below the threshold expected for the associated phenotype(s). Given the available evidence, this variant is classified as Likely Pathogenic.

NM_206933.4(USH2A):c.12173dup (p.Ile4059fs)

Gene: USH2A (usherin; minus strand). Cytogenetic location: 1q41.
Variant type: Duplication.
Coding change: c.12173dup on transcript NM_206933.4 (MANE Select); coding-DNA position 12173, one base duplicated (T; older notation c.12173dupT).
Protein change: p.Ile4059fs; shifts the reading frame from isoleucine 4059.
Molecular consequence: frameshift variant.
Genome position (GRCh38, 1-based): chr1:215,680,270, A duplicated on the plus strand (T on the coding strand, the reverse complement: USH2A is on the minus strand). VCF-style (leftmost placement, unchanged base first): chr1-215680269-C-CA. GRCh37 (hg19) VCF-style: chr1-215853611-C-CA.
Other names: short protein forms I4059fs.
Identifiers: ClinVar variation 4817082 (VCV004817082.1).
Genomic context (GRCh38, chr1:215,680,269, plus strand): 5'-CTCTTTCTGTTCTACTATAAAGTTTCTCAGTCCACTTGGGGAAGATTCTAAGGTTTGAAT[C>CA]AGAGTCCAAGGGCTTAAAATTTCTCCTGCATGGTTTGCAGCCACAACACCAATGCGATAT-3'